The following is an entry in ClinVar:

ClinVar aggregate classification (germline): Likely pathogenic. Review status: criteria provided, multiple submitters, no conflicts (2 of 4 stars). 3 submissions from 3 submitters: Likely pathogenic (2). 1 of the submissions does not count toward it. Last evaluated 2025-09-05.

Conditions:
CFTR-related disorder (CFTR-RD). Also called: CFTR-related condition; CFTR-related disorders. Identifiers: MedGen C5924204, MONDO:7770004.
Cystic fibrosis (CF). Also called: MUCOVISCIDOSIS. Identifiers: Orphanet 586, MedGen C0010674, MONDO:0009061, OMIM 219700. Disease mechanism: loss of function.

Submissions (3):

Natera, Inc.
Classification: Likely pathogenic for CFTR-related disorders. Last evaluated: 2025-09-05. Review status: criteria provided, single submitter. Criteria: Natera Variant Classification Schema (03/2026). Collection method: clinical testing. Allele origin: germline.
Comment: The c.3963+1G>C variant in CFTR is a canonical splice donor site variant predicted to affect pre-mRNA splicing, which may result in an abnormal transcript and altered protein product. This variant is expected to result in nonsense mediated decay, truncation, or a dysfunctional protein product. This variant is rare in the general population with a frequency below the threshold expected for the associated phenotype(s). This variant has been observed in one or more individuals affected with the associated recessive disease, as either homozygous or compound heterozygous with a second variant (PMID: 31916691). Given the available evidence, this variant is classified as Likely Pathogenic.

Ambry Genetics
Classification: Likely pathogenic for Cystic fibrosis. Last evaluated: 2023-03-07. Review status: criteria provided, single submitter. Criteria: Ambry Variant Classification Scheme 2023. Collection method: clinical testing. Allele origin: germline.
Comment: The c.3963+1G>C intronic variant results from a G to C substitution one nucleotide after coding exon 24 of the CFTR gene. Alterations that disrupt the canonical splice site are expected to result in aberrant splicing. In silico splice site analysis predicts that this alteration will weaken the native splice donor site. The resulting transcript is predicted to be in-frame and is not expected to trigger nonsense-mediated mRNAdecay; however, direct evidence is unavailable. The exact functional effect of the altered amino acid sequence is unknown; however, the impacted region is critical for protein function (Ambry internal data). This variant is considered to be rare based on population cohorts in the Genome Aggregation Database (gnomAD). This nucleotide position is highly conserved in available vertebrate species. Based on the majority of available evidence to date, this variant is likely to be pathogenic.

Counsyl
Classification: Likely pathogenic for Cystic fibrosis. Last evaluated: 2015-12-02. Review status: no assertion criteria provided. Collection method: clinical testing. Allele origin: unknown. Not counted in ClinVar's aggregate classification.

Literature cited by the submitters: PubMed 31916691 (cited by Natera, Inc.).

NM_000492.4(CFTR):c.3963+1G>C

Gene: CFTR (CF transmembrane conductance regulator; plus strand). Cytogenetic location: 7q31.2.
Variant type: single nucleotide variant.
Coding change: c.3963+1G>C on transcript NM_000492.4 (MANE Select); the canonical splice donor site of the intron after coding-DNA position 3963, G replaced by C.
Molecular consequence: splice donor variant.
Genome position (GRCh38, 1-based): chr7:117,652,932, G>C. VCF-style: chr7-117652932-G-C. GRCh37 (hg19) VCF-style: chr7-117292986-G-C.
Identifiers: ClinVar variation 370155 (VCV000370155.6), dbSNP rs672601314, ClinGen allele CA16041139.